The following is an entry in ClinVar:

ClinVar aggregate classification (germline): Uncertain significance (1 of 4 stars; one submission).

Conditions:
Inborn genetic diseases. Identifiers: MedGen C0950123, MeSH D030342.

Allele frequency attached by ClinVar (database versions not stated): gnomAD exomes below 0.00001; TOPMed below 0.00001.
gnomAD v4.1: 2 of 1,209,310 alleles (0.00017%); highest among the groups gnomAD compares: East Asian, 0.003%; no homozygotes.

Submission:

Ambry Genetics
Classification: Uncertain significance for Inborn genetic diseases. Last evaluated: 2025-12-29. Review status: criteria provided, single submitter. Criteria: Ambry Variant Classification Scheme 2023. Collection method: clinical testing. Allele origin: germline.
Comment: The c.1042C>G (p.L348V) alteration is located in exon 9 (coding exon 7) of the CLCN4 gene. This alteration results from a C to G substitution at nucleotide position 1042, causing the leucine (L) at amino acid position 348 to be replaced by a valine (V). Based on data from gnomAD, the G allele has an overall frequency of <0.001% (1/183364) total alleles studied. The highest observed frequency was 0.007% (1/13861) of East Asian alleles. Based on insufficient or conflicting evidence, the clinical significance of this alteration remains unclear.

Literature cited by the submitters: PubMed 38758281.

NM_001830.4(CLCN4):c.1042C>G (p.Leu348Val)

Gene: CLCN4 (Cl-/H+ antiporter 4; plus strand). Cytogenetic location: Xp22.2.
Variant type: single nucleotide variant.
Coding change: c.1042C>G on transcript NM_001830.4 (MANE Select); coding-DNA position 1042, C replaced by G.
Protein change: p.Leu348Val; replaces leucine 348 with valine.
Molecular consequence: missense variant.
Genome position (GRCh38, 1-based): chrX:10,208,243, C>G. VCF-style: chrX-10208243-C-G. GRCh37 (hg19) VCF-style: chrX-10176283-C-G.
Other names: c.760C>G, p.Leu254Val (NM_001256944.2); short protein forms L348V, L254V.
Identifiers: ClinVar variation 2607005 (VCV002607005.3), dbSNP rs775867000, ClinGen allele CA10347168.